The following is an entry in ClinVar:

NM_152383.5(DIS3L2):c.249C>G (p.Ala83=)

Gene: DIS3L2 (DIS3 like 3'-5' exoribonuclease 2; plus strand). Cytogenetic location: 2q37.1.
Variant type: single nucleotide variant.
Coding change: c.249C>G on transcript NM_152383.5 (MANE Select); coding-DNA position 249, C replaced by G.
Protein change: p.Ala83=; no amino-acid change (alanine 83 retained).
Molecular consequence: synonymous variant. On other transcripts: non-coding transcript variant (2).
Genome position (GRCh38, 1-based): chr2:232,024,315, C>G. VCF-style: chr2-232024315-C-G. GRCh37 (hg19) VCF-style: chr2-232889025-C-G.
Other names: c.249C>G, p.Ala83= (NM_001257281.2, NM_001257282.2).
Identifiers: ClinVar variation 2817671 (VCV002817671.4), dbSNP rs2469611926, ClinGen allele CA431909049.

ClinVar aggregate classification (germline): Likely benign. Review status: criteria provided, multiple submitters, no conflicts (2 of 4 stars). 2 submissions from 2 submitters: Likely benign (2). Last evaluated 2024-12-21.

Conditions:
DIS3L2-related disorder. Also called: DIS3L2-related condition.
Perlman syndrome (PRLMNS). Identifiers: Orphanet 2849, MedGen C0796113, MONDO:0009965, OMIM 267000.

Submissions (2):

PreventionGenetics, part of Exact Sciences
Classification: Likely benign for DIS3L2-related condition. Last evaluated: 2024-12-21. Review status: criteria provided, single submitter. Criteria: ACMG Guidelines, 2015. Collection method: clinical testing. Allele origin: germline.
Comment: This variant is classified as likely benign based on ACMG/AMP sequence variant interpretation guidelines (Richards et al. 2015 PMID: 25741868, with internal and published modifications).

Labcorp Genetics (formerly Invitae), Labcorp
Classification: Likely benign for Perlman syndrome. Last evaluated: 2022-11-30. Review status: criteria provided, single submitter. Criteria: Invitae Variant Classification Sherloc (09022015). Collection method: clinical testing. Allele origin: germline.